The following is an entry in ClinVar:

ClinVar aggregate classification (germline): Likely benign. Review status: criteria provided, multiple submitters, no conflicts (2 of 4 stars). 2 submissions from 2 submitters: Likely benign (2). Last evaluated 2025-07-10.

Conditions:
MYH7B-related disorder. Also called: MYH7B-related condition.

Allele frequency attached by ClinVar (database versions not stated): gnomAD exomes 0.00008 and 0.00027; gnomAD 0.00010 and 0.00011; TOPMed 0.00011; ExAC 0.00021; 1000 Genomes Project 30x 0.00031; 1000 Genomes Project 0.00040.
gnomAD v4.1: 153 of 1,614,144 alleles (0.0095%); highest among the groups gnomAD compares: East Asian, 0.26%; 2 homozygotes.

Submissions (2):

Labcorp Genetics (formerly Invitae), Labcorp
Classification: Likely benign. Last evaluated: 2025-07-10. Review status: criteria provided, single submitter. Criteria: Invitae Variant Classification Sherloc (09022015). Collection method: clinical testing. Allele origin: germline.

PreventionGenetics, part of Exact Sciences
Classification: Likely benign for MYH7B-related condition. Last evaluated: 2024-12-20. Review status: criteria provided, single submitter. Criteria: ACMG Guidelines, 2015. Collection method: clinical testing. Allele origin: germline.
Comment: This variant is classified as likely benign based on ACMG/AMP sequence variant interpretation guidelines (Richards et al. 2015 PMID: 25741868, with internal and published modifications).

NM_020884.7(MYH7B):c.199G>A (p.Val67Met)

Gene: MYH7B (myosin heavy chain 7B; plus strand). Cytogenetic location: 20q11.22.
Variant type: single nucleotide variant.
Coding change: c.199G>A on transcript NM_020884.7 (MANE Select); coding-DNA position 199, G replaced by A.
Protein change: p.Val67Met; replaces valine 67 with methionine.
Molecular consequence: missense variant.
Genome position (GRCh38, 1-based): chr20:34,979,661, G>A. VCF-style: chr20-34979661-G-A. GRCh37 (hg19) VCF-style: chr20-33567464-G-A.
Other names: c.325G>A (NM_020884.4); short protein forms V67M.
Identifiers: ClinVar variation 1628185 (VCV001628185.9), dbSNP rs201573745, ClinGen allele CA9826361.